The following is an entry in ClinVar:

ClinVar aggregate classification (germline): Uncertain significance (1 of 4 stars; one submission).

Conditions:
Luscan-Lumish syndrome. Identifiers: Orphanet 597738, MedGen C4085873, MONDO:0014791, OMIM 616831.

Submission:

Labcorp Genetics (formerly Invitae), Labcorp
Classification: Uncertain significance for Luscan-Lumish syndrome. Last evaluated: 2022-07-30. Review status: criteria provided, single submitter. Criteria: Invitae Variant Classification Sherloc (09022015). Collection method: clinical testing. Allele origin: germline.
Comment: In summary, the available evidence is currently insufficient to determine the role of this variant in disease. Therefore, it has been classified as a Variant of Uncertain Significance. Algorithms developed to predict the effect of missense changes on protein structure and function are either unavailable or do not agree on the potential impact of this missense change (SIFT: "Tolerated"; PolyPhen-2: "Probably Damaging"; Align-GVGD: "Class C0"). This variant has not been reported in the literature in individuals affected with SETD2-related conditions. This variant is not present in population databases (gnomAD no frequency). This sequence change replaces proline, which is neutral and non-polar, with leucine, which is neutral and non-polar, at codon 2448 of the SETD2 protein (p.Pro2448Leu).

NM_014159.7(SETD2):c.7343C>T (p.Pro2448Leu)

Gene: SETD2 (SET domain containing 2, histone lysine methyltransferase; minus strand). Cytogenetic location: 3p21.31.
Variant type: single nucleotide variant.
Coding change: c.7343C>T on transcript NM_014159.7 (MANE Select); coding-DNA position 7343, C replaced by T.
Protein change: p.Pro2448Leu; replaces proline 2448 with leucine.
Molecular consequence: missense variant. On other transcripts: non-coding transcript variant (1).
Genome position (GRCh38, 1-based): chr3:47,037,673, G>A on the plus strand (C>T on the coding strand, the complement: SETD2 is on the minus strand). VCF-style: chr3-47037673-G-A. GRCh37 (hg19) VCF-style: chr3-47079163-G-A.
Other names: c.7211C>T, p.Pro2404Leu (NM_001349370.3); short protein forms P2404L, P2448L.
Identifiers: ClinVar variation 1714545 (VCV001714545.5), dbSNP rs2545412573, ClinGen allele CA352512132.
Genomic context (GRCh38, chr3:47,037,673, plus strand): 5'-GTCTTGGACGGACTCCCAAATGATCAGGAAATACATGTGTAAGCCACACTCACCTTCATG[G>A]GGTTTTCATCATATGTTGGAGTTCCCAGGTCCATCTCAGCTTCATGCTCAAGGCTGGCAT-3'
Protein context (NP_054878.5, residues 2438-2458): DLGTPTYDEN[Pro2448Leu]MKASKKPKTA